The following is an entry in ClinVar:

NM_006796.3(AFG3L2):c.1318+6T>A

Gene: AFG3L2 (AFG3 like matrix AAA peptidase subunit 2; minus strand). Cytogenetic location: 18p11.21.
Variant type: single nucleotide variant.
Coding change: c.1318+6T>A on transcript NM_006796.3 (MANE Select); 6 bases into the intron after coding-DNA position 1318, T replaced by A.
Molecular consequence: intron variant.
Genome position (GRCh38, 1-based): chr18:12,352,999, A>T on the plus strand (T>A on the coding strand, the complement: AFG3L2 is on the minus strand). VCF-style: chr18-12352999-A-T. GRCh37 (hg19) VCF-style: chr18-12352998-A-T.
Identifiers: ClinVar variation 2048248 (VCV002048248.5), dbSNP rs201522350, ClinGen allele CA628487366.

ClinVar aggregate classification (germline): Uncertain significance. Review status: criteria provided, multiple submitters, no conflicts (2 of 4 stars). 2 submissions from 2 submitters: Uncertain significance (2). Last evaluated 2023-11-25.

Conditions:
Inborn genetic diseases. Identifiers: MedGen C0950123, MeSH D030342.

gnomAD v4.1: 1 of 1,612,318 alleles (0.000062%); highest among the groups gnomAD compares: East Asian, 0.0022%; no homozygotes.

Submissions (2):

Labcorp Genetics (formerly Invitae), Labcorp
Classification: Uncertain significance. Last evaluated: 2023-11-25. Review status: criteria provided, single submitter. Criteria: Invitae Variant Classification Sherloc (09022015). Collection method: clinical testing. Allele origin: germline.
Comment: This sequence change falls in intron 10 of the AFG3L2 gene. It does not directly change the encoded amino acid sequence of the AFG3L2 protein. It affects a nucleotide within the consensus splice site. This variant is present in population databases (no rsID available, gnomAD 0.01%). This variant has not been reported in the literature in individuals affected with AFG3L2-related conditions. ClinVar contains an entry for this variant (Variation ID: 2048248). Variants that disrupt the consensus splice site are a relatively common cause of aberrant splicing (PMID: 17576681, 9536098). Algorithms developed to predict the effect of sequence changes on RNA splicing suggest that this variant is not likely to affect RNA splicing. In summary, the available evidence is currently insufficient to determine the role of this variant in disease. Therefore, it has been classified as a Variant of Uncertain Significance.

Ambry Genetics
Classification: Uncertain significance for Inborn genetic diseases. Last evaluated: 2021-08-05. Review status: criteria provided, single submitter. Criteria: Ambry Variant Classification Scheme 2023. Collection method: clinical testing. Allele origin: germline.
Comment: The c.1318+6T>A intronic alteration consists of a T to A substitution 6 nucleotides after exon 10 of the AFG3L2 gene. Based on insufficient or conflicting evidence, the clinical significance of this alteration remains unclear.

Literature cited by the submitters: PubMed 17576681 (cited by Labcorp Genetics (formerly Invitae), Labcorp); PubMed 9536098 (cited by Labcorp Genetics (formerly Invitae), Labcorp).